The following is an entry in ClinVar:

ClinVar aggregate classification (germline): Uncertain significance. Review status: criteria provided, multiple submitters, no conflicts (2 of 4 stars). 3 submissions from 3 submitters: Uncertain significance (3). Last evaluated 2026-01-20.

Conditions:
Inborn genetic diseases. Identifiers: MedGen C0950123, MeSH D030342.
Developmental and epileptic encephalopathy. Identifiers: MedGen C5779964, MONDO:0100620.

Allele frequency attached by ClinVar (database versions not stated): gnomAD exomes 0.00005 and 0.00001; TOPMed 0.00005; ExAC below 0.00001; gnomAD 0.00002.

Submissions (3):

GeneDx
Classification: Uncertain significance. Last evaluated: 2026-01-20. Review status: criteria provided, single submitter. Criteria: GeneDx Variant Classification Process June 2021. Collection method: clinical testing. Allele origin: germline. Affected: yes.
Comment: In silico analysis suggests that this missense variant does not alter protein structure/function; Has not been previously published as pathogenic or benign to our knowledge

Ambry Genetics
Classification: Uncertain significance for Inborn genetic diseases. Last evaluated: 2023-12-11. Review status: criteria provided, single submitter. Criteria: Ambry Variant Classification Scheme 2023. Collection method: clinical testing. Allele origin: germline.

Labcorp Genetics (formerly Invitae), Labcorp
Classification: Uncertain significance for Early-infantile DEE. Last evaluated: 2022-07-11. Review status: criteria provided, single submitter. Criteria: Invitae Variant Classification Sherloc (09022015). Collection method: clinical testing. Allele origin: germline.
Comment: This sequence change replaces serine, which is neutral and polar, with leucine, which is neutral and non-polar, at codon 151 of the SLC25A22 protein (p.Ser151Leu). This variant is present in population databases (rs750386693, gnomAD 0.05%). This variant has not been reported in the literature in individuals affected with SLC25A22-related conditions. ClinVar contains an entry for this variant (Variation ID: 461376). Algorithms developed to predict the effect of missense changes on protein structure and function are either unavailable or do not agree on the potential impact of this missense change (SIFT: "Deleterious"; PolyPhen-2: "Benign"; Align-GVGD: "Class C0"). In summary, the available evidence is currently insufficient to determine the role of this variant in disease. Therefore, it has been classified as a Variant of Uncertain Significance.

NM_001191061.2(SLC25A22):c.452C>T (p.Ser151Leu)

Gene: SLC25A22 (solute carrier family 25 member 22; minus strand). Cytogenetic location: 11p15.5.
Variant type: single nucleotide variant.
Coding change: c.452C>T on transcript NM_001191061.2 (MANE Select); coding-DNA position 452, C replaced by T.
Protein change: p.Ser151Leu; replaces serine 151 with leucine.
Molecular consequence: missense variant.
Genome position (GRCh38, 1-based): chr11:792,688, G>A on the plus strand (C>T on the coding strand, the complement: SLC25A22 is on the minus strand). VCF-style: chr11-792688-G-A. GRCh37 (hg19) VCF-style: chr11-792688-G-A.
Other names: c.452C>T, p.Ser151Leu (NM_001191060.2, NM_024698.6); short protein forms S151L.
Identifiers: ClinVar variation 461376 (VCV000461376.12), dbSNP rs750386693, ClinGen allele CA5789174.